The following is an entry in ClinVar:

ClinVar aggregate classification (germline): Likely benign. Review status: criteria provided, multiple submitters, no conflicts (2 of 4 stars). 3 submissions from 3 submitters: Likely benign (3). Last evaluated 2025-12-16.

Conditions:
ITPR1-related disorder. Also called: ITPR1-related condition.

Allele frequency attached by ClinVar (database versions not stated): gnomAD 0.00005; TOPMed 0.00006; ESP Exome Variant Server 0.00008.
gnomAD v4.1: 99 of 1,593,758 alleles (0.0062%); highest among the groups gnomAD compares: Non-Finnish European, 0.0078%; no homozygotes.

Submissions (3):

PreventionGenetics, part of Exact Sciences
Classification: Likely benign for ITPR1-related condition. Last evaluated: 2025-12-16. Review status: criteria provided, single submitter. Criteria: ACMG Guidelines, 2015. Collection method: clinical testing. Allele origin: germline.
Comment: This variant is classified as likely benign based on ACMG/AMP sequence variant interpretation guidelines (Richards et al. 2015 PMID: 25741868, with internal and published modifications).

Labcorp Genetics (formerly Invitae), Labcorp
Classification: Likely benign. Last evaluated: 2024-04-10. Review status: criteria provided, single submitter. Criteria: Invitae Variant Classification Sherloc (09022015). Collection method: clinical testing. Allele origin: germline.

GeneDx
Classification: Likely benign. Last evaluated: 2020-11-04. Review status: criteria provided, single submitter. Criteria: GeneDx Variant Classification Process June 2021. Collection method: clinical testing. Allele origin: germline. Affected: yes.

NM_001378452.1(ITPR1):c.1714-9C>A

Gene: ITPR1 (inositol 1,4,5-trisphosphate receptor type 1; plus strand). Cytogenetic location: 3p26.1.
Variant type: single nucleotide variant.
Coding change: c.1714-9C>A on transcript NM_001378452.1 (MANE Select); 9 bases into the intron before coding-DNA position 1714, C replaced by A.
Molecular consequence: intron variant.
Genome position (GRCh38, 1-based): chr3:4,667,368, C>A. VCF-style: chr3-4667368-C-A. GRCh37 (hg19) VCF-style: chr3-4709052-C-A.
Other names: c.1669-9C>A (NM_002222.5, NM_001168272.2, NM_002222.7); c.1714-9C>A (NM_001099952.4).
Identifiers: ClinVar variation 1193530 (VCV001193530.11), dbSNP rs367806130, ClinGen allele CA2231258.
Genomic context (GRCh38, chr3:4,667,368, plus strand): 5'-CTTTAGTCTACGCTTAACCATATTGTCATTTATCCTTCCTACTGACGTCTCTTTTCTCTC[C>A]TTATAAAGGAGTATATAGCCAAGCAGTTTGGCTTCATGCAGAAGCAGATTGGCTATGATG-3'